The following is an entry in ClinVar:

NM_000219.6(KCNE1):c.84G>C (p.Ser28=)

Gene: KCNE1 (potassium voltage-gated channel subfamily E regulatory subunit 1; minus strand). Cytogenetic location: 21q22.12.
Variant type: single nucleotide variant.
Coding change: c.84G>C on transcript NM_000219.6 (MANE Select); coding-DNA position 84, G replaced by C.
Protein change: p.Ser28=; no amino-acid change (serine 28 retained).
Molecular consequence: synonymous variant.
Genome position (GRCh38, 1-based): chr21:34,449,551, C>G on the plus strand (G>C on the coding strand, the complement: KCNE1 is on the minus strand). VCF-style: chr21-34449551-C-G. GRCh37 (hg19) VCF-style: chr21-35821849-C-G.
Other names: c.84G>C, p.Ser28= (NM_001127668.4, NM_001127669.4, NM_001127670.4 and 4 more transcripts).
Identifiers: ClinVar variation 3374003 (VCV003374003.4).

ClinVar aggregate classification (germline): Likely benign (1 of 4 stars; one submission).

Conditions:
Long QT syndrome (LQTS). Identifiers: MedGen C0023976, MeSH D008133, MONDO:0002442. Disease mechanism: loss of function. Inheritance: Various modes of inheritance.

Submissions (2):

Labcorp Genetics (formerly Invitae), Labcorp
Classification: Likely benign for Long QT syndrome. Last evaluated: 2024-04-18. Review status: criteria provided, single submitter. Criteria: Invitae Variant Classification Sherloc (09022015). Collection method: clinical testing. Allele origin: germline.

Roden Lab, Vanderbilt University Medical Center
No classification provided (evidence only). Condition: Long QT syndrome 5. Review status: no classification provided. Collection method: in vitro. Allele origin: not applicable. Functional consequence: Effect on ion channel function. Not counted in ClinVar's aggregate classification.
ClinVar note: "not provided" was previously submitted as the classification for the variant. However, the classification appeared to be based only on an observation of functional data so it was converted to no classification on 2025-07-30.